The following is an entry in ClinVar:

NM_000186.4(CFH):c.3377C>T (p.Ser1126Leu)

Gene: CFH (complement factor H; plus strand). Cytogenetic location: 1q31.3.
Variant type: single nucleotide variant.
Coding change: c.3377C>T on transcript NM_000186.4 (MANE Select); coding-DNA position 3377, C replaced by T.
Protein change: p.Ser1126Leu; replaces serine 1126 with leucine.
Molecular consequence: missense variant.
Genome position (GRCh38, 1-based): chr1:196,745,883, C>T. VCF-style: chr1-196745883-C-T. GRCh37 (hg19) VCF-style: chr1-196715013-C-T.
Other names: short protein forms S1126L.
Identifiers: ClinVar variation 2086159 (VCV002086159.5), dbSNP rs763156179, ClinGen allele CA1305946.
Genomic context (GRCh38, chr1:196,745,883, plus strand): 5'-CAGGAAAATGTGGGCCCCCTCCACCTATTGACAATGGGGACATTACTTCATTCCCGTTGT[C>T]AGTATATGCTCCAGCTTCATCAGTTGAGTACCAATGCCAGAACTTGTATCAACTTGAGGG-3'
Protein context (NP_000177.2, residues 1116-1136): DNGDITSFPL[Ser1126Leu]VYAPASSVEY

ClinVar aggregate classification (germline): Uncertain significance. Review status: criteria provided, multiple submitters, no conflicts (2 of 4 stars). 2 submissions from 2 submitters: Uncertain significance (2). Last evaluated 2025-04-14.

Conditions:
Age related macular degeneration 4. Identifiers: MedGen C1853147, MONDO:0012540, OMIM 610698.
Basal laminar drusen. Also called: DRUSEN OF BRUCH MEMBRANE; DRUSEN, CUTICULAR; DRUSEN, EARLY ADULT-ONSET, GROUPED. Identifiers: Orphanet 75376, MedGen C0730295, MONDO:0007472, OMIM 126700.
Hemolytic uremic syndrome, atypical, susceptibility to, 1. Also called: AHUS, SUSCEPTIBILITY TO, 1. Identifiers: Orphanet 2134, Orphanet 90038, MedGen C2749604, MONDO:0009335, OMIM 235400. Disease mechanism: Other.
Factor H deficiency (CFHD). Also called: COMPLEMENT FACTOR H DEFICIENCY; CFH DEFICIENCY. Identifiers: Orphanet 200421, MedGen C0398777, MONDO:0012350, OMIM 609814.

Allele frequency attached by ClinVar (database versions not stated): gnomAD exomes 0.00001; ExAC 0.00002; gnomAD 0.00006; TOPMed 0.00006.
gnomAD v4.1: 23 of 1,614,006 alleles (0.0014%); highest among the groups gnomAD compares: African/African-American, 0.024%; no homozygotes.

Submissions (2):

Labcorp Genetics (formerly Invitae), Labcorp
Classification: Uncertain significance. Last evaluated: 2025-04-14. Review status: criteria provided, single submitter. Criteria: Invitae Variant Classification Sherloc (09022015). Collection method: clinical testing. Allele origin: germline.
Comment: This sequence change replaces serine, which is neutral and polar, with leucine, which is neutral and non-polar, at codon 1126 of the CFH protein (p.Ser1126Leu). This variant is present in population databases (rs763156179, gnomAD 0.02%). This variant has not been reported in the literature in individuals affected with CFH-related conditions. ClinVar contains an entry for this variant (Variation ID: 2086159). An algorithm developed to predict the effect of missense changes on protein structure and function (PolyPhen-2) suggests that this variant is likely to be tolerated. In summary, the available evidence is currently insufficient to determine the role of this variant in disease. Therefore, it has been classified as a Variant of Uncertain Significance.

Fulgent Genetics
Classification: Uncertain significance for Basal laminar drusen; Hemolytic uremic syndrome, atypical, susceptibility to, 1; Factor H deficiency; Age related macular degeneration 4. Last evaluated: 2024-03-19. Review status: criteria provided, single submitter. Criteria: ACMG Guidelines, 2015. Collection method: clinical testing. Allele origin: germline.